The following is an entry in ClinVar:

NM_017514.5(PLXNA3):c.1880G>A (p.Arg627Lys)

Gene: PLXNA3 (plexin A3; plus strand). Cytogenetic location: Xq28.
Variant type: single nucleotide variant.
Coding change: c.1880G>A on transcript NM_017514.5 (MANE Select); coding-DNA position 1880, G replaced by A.
Protein change: p.Arg627Lys; replaces arginine 627 with lysine.
Molecular consequence: missense variant.
Genome position (GRCh38, 1-based): chrX:154,464,453, G>A. VCF-style: chrX-154464453-G-A. GRCh37 (hg19) VCF-style: chrX-153692796-G-A.
Other names: short protein forms R627K.
Identifiers: ClinVar variation 4996180 (VCV004996180.1).
Genomic context (GRCh38, chrX:154,464,453, plus strand): 5'-CTGCTGCAGGGGCCACCCGCACTGTGCGGCTGCAGCTTCTCTCCAAGGAGACAGGCGTGA[G>A]GTTTGCCGGTGCTGACTTTGTCTTCTACAACTGCAGCGTCCTCCAGTCGTGAGTACCTGG-3'
Protein context (NP_059984.3, residues 617-637): LQLLSKETGV[Arg627Lys]FAGADFVFYN

ClinVar aggregate classification (germline): Uncertain significance (1 of 4 stars; one submission).

Conditions:
PLXNA3-related disorder. Also called: PLXNA3-related condition.

gnomAD v4.1: 2 of 1,211,263 alleles (0.00017%); highest among the groups gnomAD compares: Non-Finnish European, 0.00022%; no homozygotes.

Submission:

PreventionGenetics, part of Exact Sciences
Classification: Uncertain significance for PLXNA3-related condition. Last evaluated: 2025-09-26. Review status: criteria provided, single submitter. Criteria: ACMG Guidelines, 2015. Collection method: clinical testing. Allele origin: germline.
Comment: The PLXNA3 c.1880G>A variant is predicted to result in the amino acid substitution p.Arg627Lys. To our knowledge, this variant has not been reported in the literature or in a large population database (gnomAD), indicating this variant is rare. At this time, the clinical significance of this variant is uncertain due to the absence of conclusive functional and genetic evidence.